The following is an entry in ClinVar:

NM_016529.6(ATP8A2):c.3283A>G (p.Thr1095Ala)

Gene: ATP8A2 (ATPase phospholipid transporting 8A2). Cytogenetic location: 13q12.13.
Variant type: single nucleotide variant.
Coding change: c.3283A>G on transcript NM_016529.6 (MANE Select); coding-DNA position 3283, A replaced by G.
Protein change: p.Thr1095Ala; replaces threonine 1095 with alanine.
Molecular consequence: missense variant.
Genome position (GRCh38, 1-based): chr13:25,968,585, A>G. VCF-style: chr13-25968585-A-G. GRCh37 (hg19) VCF-style: chr13-26542723-A-G.
Other names: c.3088A>G, p.Thr1030Ala (NM_001313741.1); c.3283A>G (NM_016529.4); short protein forms T1095A, T1030A.
Identifiers: ClinVar variation 1434604 (VCV001434604.8), dbSNP rs563149249, ClinGen allele CA6923686.

ClinVar aggregate classification (germline): Uncertain significance. Review status: criteria provided, multiple submitters, no conflicts (2 of 4 stars). 2 submissions from 2 submitters: Uncertain significance (2). Last evaluated 2025-05-21.

Conditions:
Inborn genetic diseases. Identifiers: MedGen C0950123, MeSH D030342.

Allele frequency attached by ClinVar (database versions not stated): gnomAD exomes below 0.00001; ExAC 0.00001; gnomAD 0.00001; TOPMed 0.00001; 1000 Genomes Project 30x 0.00016; 1000 Genomes Project 0.00020.
gnomAD v4.1: 3 of 1,613,554 alleles (0.00019%); highest among the groups gnomAD compares: African/African-American, 0.0013%; no homozygotes.

Submissions (2):

Ambry Genetics
Classification: Uncertain significance for Inborn genetic diseases. Last evaluated: 2025-05-21. Review status: criteria provided, single submitter. Criteria: Ambry Variant Classification Scheme 2023. Collection method: clinical testing. Allele origin: germline.

Labcorp Genetics (formerly Invitae), Labcorp
Classification: Uncertain significance. Last evaluated: 2022-08-23. Review status: criteria provided, single submitter. Criteria: Invitae Variant Classification Sherloc (09022015). Collection method: clinical testing. Allele origin: germline.
Comment: In summary, the available evidence is currently insufficient to determine the role of this variant in disease. Therefore, it has been classified as a Variant of Uncertain Significance. Algorithms developed to predict the effect of missense changes on protein structure and function are either unavailable or do not agree on the potential impact of this missense change (SIFT: "Tolerated"; PolyPhen-2: "Possibly Damaging"; Align-GVGD: "Class C0"). ClinVar contains an entry for this variant (Variation ID: 1434604). This variant has not been reported in the literature in individuals affected with ATP8A2-related conditions. The frequency data for this variant in the population databases is considered unreliable, as metrics indicate poor data quality at this position in the gnomAD database. This sequence change replaces threonine, which is neutral and polar, with alanine, which is neutral and non-polar, at codon 1095 of the ATP8A2 protein (p.Thr1095Ala).